The following is an entry in ClinVar:

ClinVar aggregate classification (germline): Likely pathogenic. Review status: reviewed by expert panel (3 of 4 stars). 8 submissions from 8 submitters: Likely pathogenic (1). 7 of the submissions do not count toward it. Last evaluated 2025-10-28.

Conditions:
Glycogen storage disease, type II (IOPD). Also called: POMPE DISEASE, INFANTILE-ONSET; GLYCOGEN STORAGE DISEASE II, INFANTILE-ONSET; ACID ALPHA-GLUCOSIDASE DEFICIENCY, INFANTILE-ONSET; GAA DEFICIENCY, INFANTILE-ONSET; ACID MALTASE DEFICIENCY, INFANTILE-ONSET; Glucosidase acid-1,4-alpha deficiency. Identifiers: Orphanet 365, MedGen C0017921, MONDO:0009290, OMIM 232300.

Submissions (8):

ClinGen Lysosomal Storage Disorder Variant Curation Expert Panel
Classification: Likely pathogenic for Glycogen storage disease, type II. Last evaluated: 2025-10-28. Review status: reviewed by expert panel. Criteria: clingen_lsd_acmg_specifications_v2-1. Collection method: curation. Allele origin: germline. Inheritance: Autosomal recessive inheritance.
Comment: The NM_000152.5:c.1445C>G variant in GAA is a missense variant predicted to cause substitution of proline by arginine at amino acid 482 (p.Pro482Arg). One proband with this variant was reported to be on enzyme replacement therapy for Pompe disease (PMID: 31392188) (PP4). This variant has been detected two apparently unrelated probands and one sibling with late onset Pompe disease who were compound heterozygous for the variant and another variant in GAA that has been classified as pathogenic for Pompe disease by the ClinGen LD VCEP, c.-32-13T>G; the phase is unknown (PMID: 24383498, 29122469, 31392188, 31710733, 38313679); 2 x 0.5pt) (PM3). This variant is absent in gnomAD v4.1.0.. (PM2_Supporting). Expression of the variant in COS7 or HEK293 cells resulted in 0% GAA activity in cells and 0% in medium, and evidence of abnormal synthesis and processing on Western blot, indicating that this variant may impact protein function (PMID 22644586) (PS3_Moderate). The computational predictor REVEL gives a score of 0.948 which is above the threshold of 0.7, evidence that correlates with impact to GAA function (PP3). Two other missense variants at the same amino acids have been reported in patients with Pompe disease; c.1445C>T (p.Pro482Leu) (ClinVar Variation ID: 982297) has been classified as likely pathogenic by the ClinGen LD VCEP, c.1444C>T (p.Pro482Ser) has not yet been classified by the VCEP (PM5_Supporting). There is a ClinVar entry for this variant (Variation ID: 1067574). In summary, this variant meets the criteria to be classified as Likely Pathogenic for Pompe disease. GAA-specific ACMG/AMP criteria met, based on the specifications of the ClinGen LD VCEP (Specifications Version 2.0.0): PM3, PS3_Moderate, PP3, PP4, PM2_Supporting, PM5_Supporting (Classification approved by the ClinGen Lysosomal Diseases Variant Curation Expert Panel on October 28, 2025).

Genomenon, Inc
Classification: Likely pathogenic for Glycogen storage disease, type II. Last evaluated: 2026-07-01. Review status: criteria provided, single submitter. Criteria: Genomenon Sequence Variant Interpretation Standards - Updated. Collection method: curation. Allele origin: germline. Affected: yes. Not counted in ClinVar's aggregate classification.
Comment: GAA p.Pro482Arg (c.1445C>G) is a missense variant that changes the amino acid at codon 482 from Proline to Arginine. This variant has been observed in at least one proband with a GAA-related disorder in the compound heterozygous and/or homozygous state (PMID:31710733;31392188). At least one functional study has demonstrated a substantial alteration in protein function relative to the wild-type (PMID:22644586). It is absent or not present at a significant frequency in gnomAD. In silico models predict that this variant is possibly or probably damaging. In conclusion, we classify GAA p.Pro482Arg (c.1445C>G) as a likely pathogenic variant.

Labcorp Genetics (formerly Invitae), Labcorp
Classification: Pathogenic for Glycogen storage disease, type II. Last evaluated: 2025-09-05. Review status: criteria provided, single submitter. Criteria: Invitae Variant Classification Sherloc (09022015). Collection method: clinical testing. Allele origin: germline. Not counted in ClinVar's aggregate classification.
Comment: This sequence change replaces proline, which is neutral and non-polar, with arginine, which is basic and polar, at codon 482 of the GAA protein (p.Pro482Arg). This variant is not present in population databases (gnomAD no frequency). This missense change has been observed in individual(s) with Pompe disease (PMID: 18425781, 29122469, 31392188; internal data). ClinVar contains an entry for this variant (Variation ID: 1067574). Invitae Evidence Modeling of protein sequence and biophysical properties (such as structural, functional, and spatial information, amino acid conservation, physicochemical variation, residue mobility, and thermodynamic stability) indicates that this missense variant is expected to disrupt GAA protein function with a positive predictive value of 95%. Experimental studies have shown that this missense change affects GAA function (PMID: 22644586). This variant disrupts the p.Pro482 amino acid residue in GAA. Other variant(s) that disrupt this residue have been observed in individuals with GAA-related conditions (PMID: 17616415), which suggests that this may be a clinically significant amino acid residue. For these reasons, this variant has been classified as Pathogenic.

Myriad Genetics, Inc.
Classification: Likely pathogenic for Glycogen storage disease, type II. Last evaluated: 2025-01-28. Review status: criteria provided, single submitter. Criteria: Myriad Autosomal Dominant, Autosomal Recessive and X-Linked Classification Criteria (2023). Collection method: clinical testing. Allele origin: unknown. Not counted in ClinVar's aggregate classification.
Comment: NM_000152.3(GAA):c.1445C>G(P482R) is a missense variant classified as likely pathogenic in the context of Pompe disease. P482R has been observed in cases with relevant disease (PMID: 18425781, 29122469, 38958145). Relevant functional assessments of this variant are available in the literature (PMID: 22644586). Internal structural analysis of the variant is supportive of pathogenicity. P482R has not been observed in referenced population frequency databases. In summary, NM_000152.3(GAA):c.1445C>G(P482R) is a missense variant that has both functional and internal structural support for pathogenicity and has been observed more frequently in cases with the relevant disease than in healthy populations. Please note: this variant was assessed in the context of healthy population screening.

Fulgent Genetics
Classification: Likely pathogenic for Glycogen storage disease, type II. Last evaluated: 2024-01-26. Review status: criteria provided, single submitter. Criteria: ACMG Guidelines, 2015. Collection method: clinical testing. Allele origin: germline. Not counted in ClinVar's aggregate classification.

Baylor Genetics
Classification: Likely pathogenic for Glycogen storage disease, type II. Last evaluated: 2023-05-17. Review status: criteria provided, single submitter. Criteria: ACMG Guidelines, 2015. Collection method: clinical testing. Allele origin: unknown. Not counted in ClinVar's aggregate classification.

Revvity Omics, Revvity
Classification: Likely pathogenic. Last evaluated: 2020-06-19. Review status: criteria provided, single submitter. Criteria: ACMG Guidelines, 2015. Collection method: clinical testing. Allele origin: germline. Not counted in ClinVar's aggregate classification.

Natera, Inc.
Classification: Likely pathogenic for Glycogen storage disease type II. Last evaluated: 2021-10-13. Review status: no assertion criteria provided. Collection method: clinical testing. Allele origin: germline. Not counted in ClinVar's aggregate classification.

Literature cited by the submitters: PubMed 31710733 (cited by Genomenon, Inc); PubMed 31392188 (cited by Genomenon, Inc and Labcorp Genetics (formerly Invitae), Labcorp); PubMed 22644586 (cited by 3 submitters); PubMed 18425781 (cited by Labcorp Genetics (formerly Invitae), Labcorp and Myriad Genetics, Inc.); PubMed 29122469 (cited by Labcorp Genetics (formerly Invitae), Labcorp and Myriad Genetics, Inc.); PubMed 17616415 (cited by Labcorp Genetics (formerly Invitae), Labcorp); PubMed 38958145 (cited by Myriad Genetics, Inc.).

NM_000152.5(GAA):c.1445C>G (p.Pro482Arg)

Gene: GAA (alpha glucosidase; plus strand). Cytogenetic location: 17q25.3.
Variant type: single nucleotide variant.
Coding change: c.1445C>G on transcript NM_000152.5 (MANE Select); coding-DNA position 1445, C replaced by G.
Protein change: p.Pro482Arg; replaces proline 482 with arginine.
Molecular consequence: missense variant.
Genome position (GRCh38, 1-based): chr17:80,110,734, C>G. VCF-style: chr17-80110734-C-G. GRCh37 (hg19) VCF-style: chr17-78084533-C-G.
Other names: NM_000152.5(GAA):c.1445C>G; p.Pro482Arg; c.1445C>G, p.Pro482Arg (NM_001079803.3, NM_001079804.3); short protein forms P482R.
Identifiers: ClinVar variation 1067574 (VCV001067574.20), dbSNP rs2039212985, ClinGen allele CA401366794.